The following is an entry in ClinVar:

ClinVar aggregate classification (germline): Likely pathogenic (1 of 4 stars; one submission).

Conditions:
Retinitis pigmentosa-hearing loss-premature aging-short stature-facial dysmorphism syndrome. Also called: Short stature, hearing loss, retinitis pigmentosa, and distinctive facies. Identifiers: Orphanet 494439, MedGen C4540367, MONDO:0044634, OMIM 617763.

gnomAD v4.1: 1 of 1,607,140 alleles (0.000062%); highest among the groups gnomAD compares: Non-Finnish European, 0.000085%; no homozygotes.

Submission:

Department of Genetics, Institute for Developmental Research, Aichi Developmental Disability Center
Classification: Likely pathogenic for Retinitis pigmentosa-hearing loss-premature aging-short stature-facial dysmorphism syndrome. Last evaluated: 2026-09-22. Review status: criteria provided, single submitter. Criteria: ACMG Guidelines, 2015. Collection method: research. Allele origin: paternal. Inheritance: Autosomal recessive inheritance. Affected: yes. Observed: 1 variant allele, 1 compound heterozygote.
Comment: The NM_001282708.1:c.14T>G (p.Met5Arg) variant is rarely reported in healthy cohorts (PM2). We have also confirmed that both variants decrease EXOSC2 expression using molecular biological techniques such as Western blotting and minigene assay (PS3), and the results will be published soon (DOI: 10.21203/rs.3.rs-9039053/v1). In summary, this variant meets criteria to be classified as “likely pathogenic” on the ACMG criteria.

Literature cited by the submitters: DOI 10.21203/rs.3.rs-9039053/v1.

NM_014285.7(EXOSC2):c.14T>G (p.Met5Arg)

Gene: EXOSC2 (exosome component 2; plus strand). Cytogenetic location: 9q34.12.
Variant type: single nucleotide variant.
Coding change: c.14T>G on transcript NM_014285.7 (MANE Select); coding-DNA position 14, T replaced by G.
Protein change: p.Met5Arg; replaces methionine 5 with arginine.
Molecular consequence: missense variant. On other transcripts: non-coding transcript variant (1).
Genome position (GRCh38, 1-based): chr9:130,693,805, T>G. VCF-style: chr9-130693805-T-G. GRCh37 (hg19) VCF-style: chr9-133569192-T-G.
Other names: c.14T>G, p.Met5Arg (NM_001282708.1, NM_001282709.1); short protein forms M5R.
Identifiers: ClinVar variation 5010204 (VCV005010204.1).